The following is an entry in ClinVar:

NM_004714.3(DYRK1B):c.1031G>C (p.Arg344Pro)

Gene: DYRK1B (dual specificity tyrosine phosphorylation regulated kinase 1B; minus strand). Cytogenetic location: 19q13.2.
Variant type: single nucleotide variant.
Coding change: c.1031G>C on transcript NM_004714.3 (MANE Select); coding-DNA position 1031, G replaced by C.
Protein change: p.Arg344Pro; replaces arginine 344 with proline.
Molecular consequence: missense variant.
Genome position (GRCh38, 1-based): chr19:39,827,349, C>G on the plus strand (G>C on the coding strand, the complement: DYRK1B is on the minus strand). VCF-style: chr19-39827349-C-G. GRCh37 (hg19) VCF-style: chr19-40317989-C-G.
Other names: c.1031G>C, p.Arg344Pro (NM_006483.3, NM_006484.3); c.1031G>C (NM_004714.1); short protein forms R344P.
Identifiers: ClinVar variation 3030129 (VCV003030129.3), dbSNP rs374201026, ClinGen allele CA9434138.

ClinVar aggregate classification (germline): Uncertain significance. Review status: criteria provided, single submitter (1 of 4 stars). 2 submissions from 2 submitters: Uncertain significance (1). 1 of the submissions does not count toward it. Last evaluated 2025-10-25.

Conditions:
DYRK1B-related disorder. Also called: DYRK1B-related condition.
Inborn genetic diseases. Identifiers: MedGen C0950123, MeSH D030342.

gnomAD v4.1: 4 of 1,613,724 alleles (0.00025%); highest among the groups gnomAD compares: Non-Finnish European, 0.00034%; no homozygotes.

Submissions (2):

Ambry Genetics
Classification: Uncertain significance for Inborn genetic diseases. Last evaluated: 2025-10-25. Review status: criteria provided, single submitter. Criteria: Ambry Variant Classification Scheme 2023. Collection method: clinical testing. Allele origin: germline.

PreventionGenetics, part of Exact Sciences
Classification: Uncertain significance for DYRK1B-related condition. Last evaluated: 2024-01-02. Review status: no assertion criteria provided. Collection method: clinical testing. Allele origin: germline. Not counted in ClinVar's aggregate classification.
Comment: The DYRK1B c.1031G>C variant is predicted to result in the amino acid substitution p.Arg344Pro. To our knowledge, this variant has not been reported in the literature. This variant is reported in 0.0018% of alleles in individuals of European (Non-Finnish) descent in gnomAD. At this time, the clinical significance of this variant is uncertain due to the absence of conclusive functional and genetic evidence.